The following is an entry in ClinVar:

ClinVar aggregate classification (germline): Likely benign. Review status: criteria provided, multiple submitters, no conflicts (2 of 4 stars). 4 submissions from 4 submitters: Likely benign (3). 1 of the submissions does not count toward it. Last evaluated 2026-01-26.

Conditions:
DYSF-related disorder. Also called: DYSF-related condition; DYSF-related disorders.
Neuromuscular disease caused by qualitative or quantitative defects of dysferlin. Also called: Dysferlinopathy; Qualitative or quantitative defects of dysferlin. Identifiers: Orphanet 207073, MedGen C2931687, MONDO:0016145.

Allele frequency attached by ClinVar (database versions not stated): gnomAD 0.00001; ExAC 0.00003; TOPMed 0.00003; ESP Exome Variant Server 0.00008.
gnomAD v4.1: 51 of 1,614,022 alleles (0.0032%); highest among the groups gnomAD compares: South Asian, 0.0099%; no homozygotes.

Submissions (4):

Labcorp Genetics (formerly Invitae), Labcorp
Classification: Likely benign for Neuromuscular disease caused by qualitative or quantitative defects of dysferlin. Last evaluated: 2026-01-26. Review status: criteria provided, single submitter. Criteria: Invitae Variant Classification Sherloc (09022015). Collection method: clinical testing. Allele origin: germline.

Blueprint Genetics
Classification: Likely benign. Last evaluated: 2024-10-30. Review status: criteria provided, single submitter. Criteria: ACMG Guidelines, 2015. Collection method: clinical testing. Allele origin: germline.

GeneDx
Classification: Likely benign. Last evaluated: 2016-09-30. Review status: criteria provided, single submitter. Criteria: GeneDx Variant Classification (06012015). Collection method: clinical testing. Allele origin: germline. Affected: yes.
Comment: This variant is considered likely benign or benign based on one or more of the following criteria: it is a conservative change, it occurs at a poorly conserved position in the protein, it is predicted to be benign by multiple in silico algorithms, and/or has population frequency not consistent with disease.

PreventionGenetics, part of Exact Sciences
Classification: Likely benign for DYSF-related condition. Last evaluated: 2023-02-15. Review status: no assertion criteria provided. Collection method: clinical testing. Allele origin: germline. Not counted in ClinVar's aggregate classification.
Comment: This variant is classified as likely benign based on ACMG/AMP sequence variant interpretation guidelines (Richards et al. 2015 PMID: 25741868, with internal and published modifications).

NM_001130987.2(DYSF):c.5409C>T (p.His1803=)

Gene: DYSF (dysferlin; plus strand). Cytogenetic location: 2p13.2.
Variant type: single nucleotide variant.
Coding change: c.5409C>T on transcript NM_001130987.2 (MANE Select); coding-DNA position 5409, C replaced by T.
Protein change: p.His1803=; no amino-acid change (histidine 1803 retained).
Molecular consequence: synonymous variant.
Genome position (GRCh38, 1-based): chr2:71,667,467, C>T. VCF-style: chr2-71667467-C-T. GRCh37 (hg19) VCF-style: chr2-71894597-C-T.
Other names: c.5295C>T, p.His1765= (NM_001130455.2); c.5250C>T, p.His1750= (NM_001130976.2); c.5313C>T, p.His1771= (NM_001130977.2); c.5355C>T, p.His1785= (NM_001130978.2); c.5385C>T, p.His1795= (NM_001130979.2); c.5343C>T, p.His1781= (NM_001130980.2); c.5406C>T, p.His1802= (NM_001130981.2); c.5388C>T, p.His1796= (NM_001130982.2); and 5 more.
Identifiers: ClinVar variation 389445 (VCV000389445.14), dbSNP rs375787986, ClinGen allele CA1707352.